The following is an entry in ClinVar:

ClinVar aggregate classification (germline): Likely benign (1 of 4 stars; one submission).

Conditions:
PRRX1-related disorder. Also called: PRRX1-related condition.

gnomAD v4.1: 203 of 1,613,928 alleles (0.013%); highest among the groups gnomAD compares: Middle Eastern, 0.12%; 1 homozygote.

Submission:

PreventionGenetics, part of Exact Sciences
Classification: Likely benign for PRRX1-related condition. Last evaluated: 2024-11-19. Review status: criteria provided, single submitter. Criteria: ACMG Guidelines, 2015. Collection method: clinical testing. Allele origin: germline.
Comment: This variant is classified as likely benign based on ACMG/AMP sequence variant interpretation guidelines (Richards et al. 2015 PMID: 25741868, with internal and published modifications).

NM_022716.4(PRRX1):c.724C>T (p.Pro242Ser)

Gene: PRRX1 (paired related homeobox 1; plus strand). Cytogenetic location: 1q24.2.
Variant type: single nucleotide variant.
Coding change: c.724C>T on transcript NM_022716.4 (MANE Select); coding-DNA position 724, C replaced by T.
Protein change: p.Pro242Ser; replaces proline 242 with serine.
Molecular consequence: missense variant. On other transcripts: 3 prime UTR variant (1).
Genome position (GRCh38, 1-based): chr1:170,736,172, C>T. VCF-style: chr1-170736172-C-T. GRCh37 (hg19) VCF-style: chr1-170705313-C-T.
Other names: c.*142C>T (NM_006902.5); short protein forms P242S.
Identifiers: ClinVar variation 4981718 (VCV004981718.1).